The following is an entry in ClinVar:

ClinVar aggregate classification (germline): Uncertain significance (1 of 4 stars; one submission).

Submission:

Ambry Genetics
Classification: Uncertain significance. Last evaluated: 2025-05-16. Review status: criteria provided, single submitter. Criteria: Ambry Variant Classification Scheme 2023. Collection method: clinical testing. Allele origin: germline.
Comment: The p.P1771L variant (also known as c.5312C>T), located in coding exon 22 of the WNK2 gene, results from a C to T substitution at nucleotide position 5312. The proline at codon 1771 is replaced by leucine, an amino acid with similar properties. This amino acid position is conserved. In addition, the in silico prediction for this alteration is inconclusive. Based on the available evidence, the clinical significance of this variant remains unclear.

NM_006648.4(WNK2):c.5312C>T (p.Pro1771Leu)

Gene: WNK2 (WNK lysine deficient protein kinase 2; plus strand). Cytogenetic location: 9q22.31.
Variant type: single nucleotide variant.
Coding change: c.5312C>T on transcript NM_006648.4 (MANE Select); coding-DNA position 5312, C replaced by T.
Protein change: p.Pro1771Leu; replaces proline 1771 with leucine.
Molecular consequence: missense variant.
Genome position (GRCh38, 1-based): chr9:93,292,777, C>T. VCF-style: chr9-93292777-C-T. GRCh37 (hg19) VCF-style: chr9-96055059-C-T.
Other names: c.5423C>T, p.Pro1808Leu (NM_001282394.3); short protein forms P1771L, P1808L.
Identifiers: ClinVar variation 3982045 (VCV003982045.1).